The following is an entry in ClinVar:

ClinVar aggregate classification (germline): Conflicting classifications of pathogenicity. Review status: criteria provided, conflicting classifications (1 of 4 stars). 6 submissions from 6 submitters: Uncertain significance (2); Likely benign (4). Last evaluated 2025-12-03.

Conditions:
POLD1-related polyposis and colorectal cancer syndrome (CRCS10). Also called: Colorectal cancer 10; Colorectal cancer, susceptibility to, 10; COLORECTAL CANCER, SUSCEPTIBILITY TO, ON CHROMOSOME 19q. Identifiers: Orphanet 220460, MedGen C2675481, MONDO:0012953, OMIM 612591.
Hereditary cancer-predisposing syndrome. Also called: Neoplastic Syndromes, Hereditary; Hereditary neoplastic syndrome; Tumor predisposition; Hereditary Cancer Syndrome. Identifiers: Orphanet 140162, MedGen C0027672, MeSH D009386, MONDO:0015356.

Allele frequency attached by ClinVar (database versions not stated): gnomAD 0.00001 and 0.00002; gnomAD exomes 0.00001 and 0.00002; TOPMed 0.00001.
gnomAD v4.1: 28 of 1,548,470 alleles (0.0018%); highest among the groups gnomAD compares: East Asian, 0.017%; no homozygotes.

Submissions (6):

Labcorp Genetics (formerly Invitae), Labcorp
Classification: Likely benign for POLD1-related polyposis and colorectal cancer syndrome. Last evaluated: 2025-12-03. Review status: criteria provided, single submitter. Criteria: Invitae Variant Classification Sherloc (09022015). Collection method: clinical testing. Allele origin: germline.

Center for Genomic Medicine, Rigshospitalet, Copenhagen University Hospital
Classification: Likely benign. Last evaluated: 2025-03-04. Review status: criteria provided, single submitter. Criteria: ACMG Guidelines, 2015. Collection method: clinical testing. Allele origin: germline.

Ambry Genetics
Classification: Uncertain significance for Hereditary cancer-predisposing syndrome. Last evaluated: 2025-01-11. Review status: criteria provided, single submitter. Criteria: Ambry Variant Classification Scheme 2023. Collection method: clinical testing. Allele origin: germline.
Comment: The c.2821-5C>T intronic variant results from a C to T substitution 5 nucleotides upstream from coding exon 22 in the POLD1 gene. This nucleotide position is not well conserved on limited nucleotide alignment. In silico splice site analysis predicts that this alteration will not have any significant effect on splicing. Based on the available evidence, the clinical significance of this variant remains unclear.

Women's Health and Genetics/Laboratory Corporation of America, LabCorp
Classification: Uncertain significance. Last evaluated: 2024-12-19. Review status: criteria provided, single submitter. Criteria: LabCorp Variant Classification Summary - May 2015. Collection method: clinical testing. Allele origin: germline.

CeGaT Center for Human Genetics Tuebingen
Classification: Likely benign. Last evaluated: 2022-07-01. Review status: criteria provided, single submitter. Criteria: CeGaT Center For Human Genetics Tuebingen Variant Classification Criteria Version 2. Collection method: clinical testing. Allele origin: germline. Affected: yes. Observed: 1 variant allele.
Comment: POLD1: BP4

GeneDx
Classification: Likely benign. Last evaluated: 2015-12-21. Review status: criteria provided, single submitter. Criteria: GeneDx Variant Classification (06012015). Collection method: clinical testing. Allele origin: germline. Affected: yes.
Comment: This variant is considered likely benign or benign based on one or more of the following criteria: it is a conservative change, it occurs at a poorly conserved position in the protein, it is predicted to be benign by multiple in silico algorithms, and/or has population frequency not consistent with disease.

NM_002691.4(POLD1):c.2821-5C>T

Gene: POLD1 (DNA polymerase delta 1, catalytic subunit; plus strand). Cytogenetic location: 19q13.33.
Variant type: single nucleotide variant.
Coding change: c.2821-5C>T on transcript NM_002691.4 (MANE Select); 5 bases into the intron before coding-DNA position 2821, C replaced by T.
Molecular consequence: intron variant.
Genome position (GRCh38, 1-based): chr19:50,416,391, C>T. VCF-style: chr19-50416391-C-T. GRCh37 (hg19) VCF-style: chr19-50919648-C-T.
Other names: c.2821-5C>T (LRG_785t1, NM_001256849.1); c.2899-5C>T (LRG_785t2, NM_001308632.1).
Identifiers: ClinVar variation 382511 (VCV000382511.49), dbSNP rs1057521374, ClinGen allele CA16608287.